The following is an entry in ClinVar:

ClinVar aggregate classification (germline): Uncertain significance (1 of 4 stars; one submission).

Conditions:
Dilated cardiomyopathy 1HH (CMD1HH). Identifiers: Orphanet 154, MedGen C3151293, MONDO:0013479, OMIM 613881.
Myofibrillar myopathy 6. Identifiers: Orphanet 199340, MedGen C2751831, MONDO:0013061, OMIM 612954.

Allele frequency attached by ClinVar (database versions not stated): gnomAD below 0.00001 and 0.00001; gnomAD exomes 0.00001; ExAC 0.00002.
gnomAD v4.1: 7 of 1,614,052 alleles (0.00043%); highest among the groups gnomAD compares: South Asian, 0.0011%; no homozygotes.

Submission:

Labcorp Genetics (formerly Invitae), Labcorp
Classification: Uncertain significance for Dilated cardiomyopathy 1HH; Myofibrillar myopathy 6. Last evaluated: 2023-12-21. Review status: criteria provided, single submitter. Criteria: Invitae Variant Classification Sherloc (09022015). Collection method: clinical testing. Allele origin: germline.
Comment: This sequence change replaces methionine, which is neutral and non-polar, with valine, which is neutral and non-polar, at codon 565 of the BAG3 protein (p.Met565Val). This variant is present in population databases (rs756485989, gnomAD 0.002%). This missense change has been observed in individual(s) with sensory-motor polyneuropathy (Invitae). ClinVar contains an entry for this variant (Variation ID: 642976). Advanced modeling of protein sequence and biophysical properties (such as structural, functional, and spatial information, amino acid conservation, physicochemical variation, residue mobility, and thermodynamic stability) performed at Invitae indicates that this missense variant is not expected to disrupt BAG3 protein function with a negative predictive value of 80%. In summary, the available evidence is currently insufficient to determine the role of this variant in disease. Therefore, it has been classified as a Variant of Uncertain Significance.

NM_004281.4(BAG3):c.1693A>G (p.Met565Val)

Gene: BAG3 (BAG cochaperone 3; plus strand). Cytogenetic location: 10q26.11.
Variant type: single nucleotide variant.
Coding change: c.1693A>G on transcript NM_004281.4 (MANE Select); coding-DNA position 1693, A replaced by G.
Protein change: p.Met565Val; replaces methionine 565 with valine.
Molecular consequence: missense variant.
Genome position (GRCh38, 1-based): chr10:119,677,247, A>G. VCF-style: chr10-119677247-A-G. GRCh37 (hg19) VCF-style: chr10-121436759-A-G.
Other names: short protein forms M565V.
Identifiers: ClinVar variation 642976 (VCV000642976.6), dbSNP rs756485989, ClinGen allele CA5716595.